The following is an entry in ClinVar:

ClinVar aggregate classification (germline): Uncertain significance (1 of 4 stars; one submission).

Submission:

Labcorp Genetics (formerly Invitae), Labcorp
Classification: Uncertain significance. Last evaluated: 2022-07-30. Review status: criteria provided, single submitter. Criteria: Invitae Variant Classification Sherloc (09022015). Collection method: clinical testing. Allele origin: germline.
Comment: In summary, the available evidence is currently insufficient to determine the role of this variant in disease. Therefore, it has been classified as a Variant of Uncertain Significance. This sequence change replaces proline, which is neutral and non-polar, with glutamine, which is neutral and polar, at codon 609 of the CNGB1 protein (p.Pro609Gln). This variant is not present in population databases (gnomAD no frequency). This variant has not been reported in the literature in individuals affected with CNGB1-related conditions. Advanced modeling of protein sequence and biophysical properties (such as structural, functional, and spatial information, amino acid conservation, physicochemical variation, residue mobility, and thermodynamic stability) performed at Invitae indicates that this missense variant is not expected to disrupt CNGB1 protein function.

NM_001297.5(CNGB1):c.1826C>A (p.Pro609Gln)

Gene: CNGB1 (cyclic nucleotide gated channel subunit beta 1; minus strand). Cytogenetic location: 16q21.
Variant type: single nucleotide variant.
Coding change: c.1826C>A on transcript NM_001297.5 (MANE Select); coding-DNA position 1826, C replaced by A.
Protein change: p.Pro609Gln; replaces proline 609 with glutamine.
Molecular consequence: missense variant.
Genome position (GRCh38, 1-based): chr16:57,919,230, G>T on the plus strand (C>A on the coding strand, the complement: CNGB1 is on the minus strand). VCF-style: chr16-57919230-G-T. GRCh37 (hg19) VCF-style: chr16-57953134-G-T.
Other names: c.1808C>A, p.Pro603Gln (NM_001286130.2); short protein forms P603Q, P609Q.
Identifiers: ClinVar variation 1714544 (VCV001714544.5), dbSNP rs1960962081, ClinGen allele CA396065728.
Genomic context (GRCh38, chr16:57,919,230, plus strand): 5'-ATGTCGCAATAGTGCTCCTCTTCCACTGGCTCGGCTTCAGCGGGCTTTGTGTCTGGAGCT[G>T]GCTCTGGGGCTTTCTTGGCTGGGGCTGTGGGATGACATTGGTGACCATCTGAACCAGCCC-3'
Protein context (NP_001288.3, residues 599-619): KPSPAKKAPE[Pro609Gln]APDTKPAEAE